The following is an entry in ClinVar:

NM_001166114.2(PNPLA6):c.1531-10_1537dup

Gene: PNPLA6 (patatin like domain 6, lysophospholipase; plus strand). Cytogenetic location: 19p13.2.
Variant type: Duplication.
Coding change: c.1531-10_1537dup on transcript NM_001166114.2 (MANE Select); 10 bases into the intron before coding-DNA position 1531 through coding-DNA position 1537, 17 bases duplicated (ACCTCCCCAGGACCCCT).
Molecular consequence: splice acceptor variant. On other transcripts: intron variant (1).
Genome position (GRCh38, 1-based): chr19:7,542,997-7,543,013, ACCTCCCCAGGACCCCT duplicated; duplicating any 17 consecutive bases within chr19:7,542,992-7,543,013 gives the same sequence; the c. name uses the placement nearest the transcript's 3' end. VCF-style (leftmost placement, unchanged base first): chr19-7542991-C-CCCCCTACCTCCCCAGGA. GRCh37 (hg19) VCF-style: chr19-7607877-C-CCCCCTACCTCCCCAGGA.
Other names: c.1414-10_1420dup (NM_006702.5, NM_001166113.1); c.1413+69_1413+85dup (NM_001166112.2); c.1558-10_1564dup (NM_001166111.2).
Identifiers: ClinVar variation 1462608 (VCV001462608.8), dbSNP rs770365418, ClinGen allele CA9139853.

ClinVar aggregate classification (germline): Uncertain significance (1 of 4 stars; one submission).

Conditions:
Hereditary spastic paraplegia 39 (SPG39). Also called: Spastic Paraplegia Type 39 (SPG39); SPASTIC PARAPLEGIA 39, AUTOSOMAL RECESSIVE. Identifiers: Orphanet 139480, MedGen C2677586, MONDO:0012787, OMIM 612020.

Submission:

Labcorp Genetics (formerly Invitae), Labcorp
Classification: Uncertain significance for Hereditary spastic paraplegia 39. Last evaluated: 2022-02-19. Review status: criteria provided, single submitter. Criteria: Invitae Variant Classification Sherloc (09022015). Collection method: clinical testing. Allele origin: germline.
Comment: In summary, the available evidence is currently insufficient to determine the role of this variant in disease. Therefore, it has been classified as a Variant of Uncertain Significance. Algorithms developed to predict the effect of sequence changes on RNA splicing suggest that this variant may disrupt the consensus splice site. This variant is also known as c.1414-10_1420dup (p.Ser474Tyrfs*9). This variant has not been reported in the literature in individuals affected with PNPLA6-related conditions. This variant is present in population databases (rs770365418, gnomAD 0.0009%). This sequence change falls in intron 15 of the PNPLA6 gene. It does not directly change the encoded amino acid sequence of the PNPLA6 protein.